The following is an entry in ClinVar:

NM_170606.3(KMT2C):c.8943T>C (p.His2981=)

Gene: KMT2C (lysine methyltransferase 2C; minus strand). Cytogenetic location: 7q36.1.
Variant type: single nucleotide variant.
Coding change: c.8943T>C on transcript NM_170606.3 (MANE Select); coding-DNA position 8943, T replaced by C.
Protein change: p.His2981=; no amino-acid change (histidine 2981 retained).
Molecular consequence: synonymous variant.
Genome position (GRCh38, 1-based): chr7:152,176,510, A>G on the plus strand (T>C on the coding strand, the complement: KMT2C is on the minus strand). VCF-style: chr7-152176510-A-G. GRCh37 (hg19) VCF-style: chr7-151873595-A-G.
Identifiers: ClinVar variation 719972 (VCV000719972.36), dbSNP rs150519030, ClinGen allele CA4579591.

ClinVar aggregate classification (germline): Benign/Likely benign. Review status: criteria provided, multiple submitters, no conflicts (2 of 4 stars). 4 submissions from 4 submitters: Benign (2); Likely benign (2). Last evaluated 2026-06-01.

Allele frequency attached by ClinVar (database versions not stated): ExAC 0.00114; gnomAD exomes 0.00121 and 0.00128; ESP Exome Variant Server 0.00123; gnomAD 0.00156 and 0.00160; 1000 Genomes Project 0.00240; TOPMed 0.00271; 1000 Genomes Project 30x 0.00281.
gnomAD v4.1: 2,148 of 1,614,148 alleles (0.13%); highest among the groups gnomAD compares: Admixed American, 0.49%; 5 homozygotes.

Submissions (4):

CeGaT Center for Human Genetics Tuebingen
Classification: Likely benign. Last evaluated: 2026-06-01. Review status: criteria provided, single submitter. Criteria: CeGaT Center For Human Genetics Tuebingen Variant Classification Criteria Version 2. Collection method: clinical testing. Allele origin: germline. Affected: yes. Observed: 8 variant alleles.
Comment: KMT2C: BP4, BP7, BS1

Labcorp Genetics (formerly Invitae), Labcorp
Classification: Benign. Last evaluated: 2025-07-14. Review status: criteria provided, single submitter. Criteria: Invitae Variant Classification Sherloc (09022015). Collection method: clinical testing. Allele origin: germline.

Blueprint Genetics
Classification: Likely benign. Last evaluated: 2024-10-31. Review status: criteria provided, single submitter. Criteria: ACMG Guidelines, 2015. Collection method: clinical testing. Allele origin: germline.

Breakthrough Genomics
Classification: Benign. Review status: criteria provided, single submitter. Criteria: ACMG Guidelines, 2015. Collection method: not provided. Allele origin: germline. Inheritance: Autosomal dominant inheritance. Affected: yes.